The following is an entry in ClinVar:

NM_001048174.2(MUTYH):c.1066G>C (p.Gly356Arg)

Gene: MUTYH (mutY DNA glycosylase; minus strand). Cytogenetic location: 1p34.1.
Variant type: single nucleotide variant.
Coding change: c.1066G>C on transcript NM_001048174.2 (MANE Select); coding-DNA position 1066, G replaced by C.
Protein change: p.Gly356Arg; replaces glycine 356 with arginine.
Molecular consequence: missense variant. On other transcripts: non-coding transcript variant (7).
Genome position (GRCh38, 1-based): chr1:45,331,697, C>G on the plus strand (G>C on the coding strand, the complement: MUTYH is on the minus strand). VCF-style: chr1-45331697-C-G. GRCh37 (hg19) VCF-style: chr1-45797369-C-G.
Other names: c.1150G>C, p.Gly384Arg (NM_001128425.2); c.1111G>C, p.Gly371Arg (NM_001293190.2); c.1099G>C, p.Gly367Arg (NM_001293191.2, NM_001407069.1, NM_001407077.1); c.790G>C, p.Gly264Arg (NM_001293192.2, NM_001293196.2, NM_001407091.1); c.1066G>C, p.Gly356Arg (NM_001293195.2, NM_001407088.1, NM_001407089.1 and 6 more transcripts); c.721G>C, p.Gly241Arg (NM_001350650.2, NM_001350651.2, NM_001407082.1); c.1108G>C, p.Gly370Arg (NM_001407083.1, NM_001407085.1); c.1069G>C, p.Gly357Arg (NM_001407086.1, NM_001048172.2, NM_001407071.1 and 1 more transcripts); and 5 more; short protein forms G241R, G357R, G370R, G328R, G343R, G363R, G367R, G384R.
Identifiers: ClinVar variation 4113057 (VCV004113057.1).

ClinVar aggregate classification (germline): Uncertain significance (1 of 4 stars; one submission).

Conditions:
Hereditary cancer-predisposing syndrome. Also called: Tumor predisposition; Neoplastic Syndromes, Hereditary; Hereditary neoplastic syndrome; Hereditary Cancer Syndrome. Identifiers: Orphanet 140162, MedGen C0027672, MeSH D009386, MONDO:0015356.

Submission:

Ambry Genetics
Classification: Uncertain significance for Hereditary cancer-predisposing syndrome. Last evaluated: 2025-08-27. Review status: criteria provided, single submitter. Criteria: Ambry Variant Classification Scheme 2023. Collection method: clinical testing. Allele origin: germline.
Comment: The p.G384R variant (also known as c.1150G>C), located in coding exon 12 of the MUTYH gene, results from a G to C substitution at nucleotide position 1150. The glycine at codon 384 is replaced by arginine, an amino acid with dissimilar properties. This amino acid position is conserved. In addition, the in silico prediction for this alteration is inconclusive. Based on the available evidence, the clinical significance of this variant remains unclear.